The following is an entry in ClinVar:

ClinVar aggregate classification (germline): Uncertain significance (1 of 4 stars; one submission).

Conditions:
Inborn genetic diseases. Identifiers: MedGen C0950123, MeSH D030342.

Allele frequency attached by ClinVar (database versions not stated): gnomAD 0.00001; gnomAD exomes 0.00001; TOPMed 0.00001.
gnomAD v4.1: 10 of 1,613,534 alleles (0.00062%); highest among the groups gnomAD compares: Middle Eastern, 0.017%; no homozygotes.

Submission:

Ambry Genetics
Classification: Uncertain significance for Inborn genetic diseases. Last evaluated: 2020-07-17. Review status: criteria provided, single submitter. Criteria: Ambry Variant Classification Scheme 2023. Collection method: clinical testing. Allele origin: germline.
Comment: The c.912T>C variant (also known as p.F304F), located in coding exon 6 of the IGHMBP2 gene, results from a T to C substitution at nucleotide position 912. This nucleotide substitution does not change the phenylalanine at codon 304. However, this change occurs in the last base pair of coding exon 6, which makes it likely to have some effect on normal mRNA splicing. This nucleotide position is not well conserved in available vertebrate species. In silico splice site analysis for this alteration is inconclusive. Since supporting evidence is limited at this time, the clinical significance of this alteration remains unclear.

NM_002180.3(IGHMBP2):c.912T>C (p.Phe304=)

Gene: IGHMBP2 (immunoglobulin mu DNA binding protein 2; plus strand). Cytogenetic location: 11q13.3.
Variant type: single nucleotide variant.
Coding change: c.912T>C on transcript NM_002180.3 (MANE Select); coding-DNA position 912, T replaced by C.
Protein change: p.Phe304=; no amino-acid change (phenylalanine 304 retained).
Molecular consequence: synonymous variant.
Genome position (GRCh38, 1-based): chr11:68,915,023, T>C. VCF-style: chr11-68915023-T-C. GRCh37 (hg19) VCF-style: chr11-68682491-T-C.
Identifiers: ClinVar variation 1765911 (VCV001765911.2), dbSNP rs903011503, ClinGen allele CA223392633.